The following is an entry in ClinVar:

NM_001848.3(COL6A1):c.2251-11_2251-8del

Gene: COL6A1 (collagen type VI alpha 1 chain; plus strand). Cytogenetic location: 21q22.3.
Variant type: Microsatellite.
Coding change: c.2251-11_2251-8del on transcript NM_001848.3 (MANE Select); 11 bases into the intron before coding-DNA position 2251 through 8 bases into the intron before coding-DNA position 2251, 4 bases deleted (TGTC; older notation c.2251-11_2251-8delTGTC).
Molecular consequence: intron variant.
Genome position (GRCh38, 1-based): chr21:46,002,516-46,002,519, TGTC deleted; deleting any 4 consecutive bases within chr21:46,002,511-46,002,519 gives the same sequence; the c. name uses the placement nearest the transcript's 3' end. VCF-style (leftmost placement, unchanged base first): chr21-46002510-ACTGT-A. GRCh37 (hg19) VCF-style: chr21-47422424-ACTGT-A.
Identifiers: ClinVar variation 2971928 (VCV002971928.3), dbSNP rs2526350941, ClinGen allele CA2740094740.

ClinVar aggregate classification (germline): Uncertain significance (1 of 4 stars; one submission).

Conditions:
Bethlem myopathy 1A. Also called: MYOPATHY, BENIGN CONGENITAL, WITH CONTRACTURES; Bethlem myopathy 1; Bethlem Muscular Dystrophy. Identifiers: Orphanet 610, MedGen CN029274, MONDO:0024530, OMIM 158810.

Submission:

Labcorp Genetics (formerly Invitae), Labcorp
Classification: Uncertain significance for Bethlem myopathy 1A. Last evaluated: 2023-04-17. Review status: criteria provided, single submitter. Criteria: Invitae Variant Classification Sherloc (09022015). Collection method: clinical testing. Allele origin: germline.
Comment: This sequence change falls in intron 32 of the COL6A1 gene. It does not directly change the encoded amino acid sequence of the COL6A1 protein. This variant is not present in population databases (gnomAD no frequency). This variant has not been reported in the literature in individuals affected with COL6A1-related conditions. Algorithms developed to predict the effect of sequence changes on RNA splicing suggest that this variant may create or strengthen a splice site. In summary, the available evidence is currently insufficient to determine the role of this variant in disease. Therefore, it has been classified as a Variant of Uncertain Significance.